The following is an entry in ClinVar:

ClinVar aggregate classification (germline): Uncertain significance (1 of 4 stars; one submission).

Conditions:
Epidermolysis bullosa simplex 5B, with muscular dystrophy (EBS5B). Also called: Epidermolysis bullosa simplex with muscular dystrophy; EPIDERMOLYSIS BULLOSA SIMPLEX AND LIMB-GIRDLE MUSCULAR DYSTROPHY. Identifiers: Orphanet 257, MedGen C2931072, MONDO:0009181, OMIM 226670.
Epidermolysis bullosa simplex, Ogna type (EBS5A). Also called: Pidermolysis bullosa simplex 5A, Ogna type; EPIDERMOLYSIS BULLOSA SIMPLEX 5A, OGNA TYPE. Identifiers: Orphanet 79401, MedGen C0432317, MONDO:0007555, OMIM 131950.
Epidermolysis bullosa simplex 5C, with pyloric atresia (EBS5C). Also called: Epidermolysis bullosa simplex with pyloric atresia; PLEC-Related Epidermolysis Bullosa with Pyloric Atresia; PLEC1-Related Epidermolysis Bullosa with Pyloric Atresia. Identifiers: Orphanet 158684, MedGen C2677349, MONDO:0012807, OMIM 612138.
Autosomal recessive limb-girdle muscular dystrophy type 2Q (LGMDR17). Also called: MUSCULAR DYSTROPHY, LIMB-GIRDLE, AUTOSOMAL RECESSIVE 17. Identifiers: Orphanet 254361, MedGen C3150989, MONDO:0013390, OMIM 613723.
Epidermolysis bullosa simplex with nail dystrophy (EBS5D). Identifiers: MedGen C4225309, MONDO:0014661, OMIM 616487.

Submission:

Labcorp Genetics (formerly Invitae), Labcorp
Classification: Uncertain significance for Autosomal recessive limb-girdle muscular dystrophy type 2Q; Epidermolysis bullosa simplex, Ogna type; Epidermolysis bullosa simplex with nail dystrophy; Epidermolysis bullosa simplex 5C, with pyloric atresia; Epidermolysis bullosa simplex 5B, with muscular dystrophy. Last evaluated: 2022-02-19. Review status: criteria provided, single submitter. Criteria: Invitae Variant Classification Sherloc (09022015). Collection method: clinical testing. Allele origin: germline.
Comment: This sequence change falls in intron 11 of the PLEC gene. It does not directly change the encoded amino acid sequence of the PLEC protein. This variant is not present in population databases (gnomAD no frequency). This variant has not been reported in the literature in individuals affected with PLEC-related conditions. Algorithms developed to predict the effect of sequence changes on RNA splicing suggest that this variant may disrupt the consensus splice site. In summary, the available evidence is currently insufficient to determine the role of this variant in disease. Therefore, it has been classified as a Variant of Uncertain Significance.

NM_201384.3(PLEC):c.1042-23_1042-20dup

Gene: PLEC (plectin; minus strand). Cytogenetic location: 8q24.3.
Variant type: Duplication.
Coding change: c.1042-23_1042-20dup on transcript NM_201384.3 (MANE Select); 23 bases into the intron before coding-DNA position 1042 through 20 bases into the intron before coding-DNA position 1042, 4 bases duplicated (CTGA; older notation c.1042-23_1042-20dupCTGA).
Molecular consequence: intron variant.
Genome position (GRCh38, 1-based): chr8:143,934,465-143,934,468, TCAG duplicated on the plus strand (CTGA on the coding strand, the reverse complement: PLEC is on the minus strand). VCF-style (leftmost placement, unchanged base first): chr8-143934464-C-CTCAG. GRCh37 (hg19) VCF-style: chr8-145008632-C-CTCAG.
Other names: c.1123-23_1123-20dup (NM_000445.5); c.1000-23_1000-20dup (NM_201378.4); c.976-23_976-20dup (NM_201379.3); c.1453-23_1453-20dup (NM_201380.4); c.946-23_946-20dup (NM_201381.3); c.1042-23_1042-20dup (NM_201382.4); c.1054-23_1054-20dup (NM_201383.3).
Identifiers: ClinVar variation 1974343 (VCV001974343.5), dbSNP rs2538984304, ClinGen allele CA2580078641.